The following is an entry in ClinVar:

ClinVar aggregate classification (germline): Uncertain significance. Review status: criteria provided, multiple submitters, no conflicts (2 of 4 stars). 3 submissions from 3 submitters: Uncertain significance (3). Last evaluated 2025-02-09.

Conditions:
Inborn genetic diseases. Identifiers: MedGen C0950123, MeSH D030342.
AFF4-related disorder. Also called: AFF4-related condition.
Cognitive impairment - coarse facies - heart defects - obesity - pulmonary involvement - short stature - skeletal dysplasia syndrome. Also called: COGNITIVE IMPAIRMENT, COARSE FACIES, HEART DEFECTS, OBESITY, PULMONARY INVOLVEMENT, SHORT STATURE, AND SKELETAL DYSPLASIA; Chops syndrome; AFF4-Related CHOPS Syndrome. Identifiers: Orphanet 444077, MedGen C4085597, MONDO:0014609, OMIM 616368.

Allele frequency attached by ClinVar (database versions not stated): ExAC 0.00001; gnomAD exomes 0.00001; TOPMed 0.00001; gnomAD 0.00002.
gnomAD v4.1: 11 of 1,612,756 alleles (0.00068%); highest among the groups gnomAD compares: Admixed American, 0.0017%; no homozygotes.

Submissions (3):

PreventionGenetics, part of Exact Sciences
Classification: Uncertain significance for AFF4-related condition. Last evaluated: 2025-02-09. Review status: criteria provided, single submitter. Criteria: ACMG Guidelines, 2015. Collection method: clinical testing. Allele origin: germline.
Comment: The AFF4 c.2719G>A variant is predicted to result in the amino acid substitution p.Val907Ile. To our knowledge, this variant has not been reported in the literature. This variant is reported in 0.00088% of alleles in individuals of European (Non-Finnish) descent in gnomAD. At this time, the clinical significance of this variant is uncertain due to the absence of conclusive functional and genetic evidence.

Labcorp Genetics (formerly Invitae), Labcorp
Classification: Uncertain significance for Cognitive impairment - coarse facies - heart defects - obesity - pulmonary involvement - short stature - skeletal dysplasia syndrome. Last evaluated: 2025-01-15. Review status: criteria provided, single submitter. Criteria: Invitae Variant Classification Sherloc (09022015). Collection method: clinical testing. Allele origin: germline.
Comment: This sequence change replaces valine, which is neutral and non-polar, with isoleucine, which is neutral and non-polar, at codon 907 of the AFF4 protein (p.Val907Ile). This variant is present in population databases (rs752156289, gnomAD 0.0009%). This variant has not been reported in the literature in individuals affected with AFF4-related conditions. ClinVar contains an entry for this variant (Variation ID: 2173739). Invitae Evidence Modeling of protein sequence and biophysical properties (such as structural, functional, and spatial information, amino acid conservation, physicochemical variation, residue mobility, and thermodynamic stability) indicates that this missense variant is not expected to disrupt AFF4 protein function with a negative predictive value of 80%. In summary, the available evidence is currently insufficient to determine the role of this variant in disease. Therefore, it has been classified as a Variant of Uncertain Significance.

Ambry Genetics
Classification: Uncertain significance for Inborn genetic diseases. Last evaluated: 2024-09-02. Review status: criteria provided, single submitter. Criteria: Ambry Variant Classification Scheme 2023. Collection method: clinical testing. Allele origin: germline.

NM_014423.4(AFF4):c.2719G>A (p.Val907Ile)

Gene: AFF4 (ALF transcription elongation factor 4; minus strand). Cytogenetic location: 5q31.1.
Variant type: single nucleotide variant.
Coding change: c.2719G>A on transcript NM_014423.4 (MANE Select); coding-DNA position 2719, G replaced by A.
Protein change: p.Val907Ile; replaces valine 907 with isoleucine.
Molecular consequence: missense variant.
Genome position (GRCh38, 1-based): chr5:132,889,092, C>T on the plus strand (G>A on the coding strand, the complement: AFF4 is on the minus strand). VCF-style: chr5-132889092-C-T. GRCh37 (hg19) VCF-style: chr5-132224784-C-T.
Other names: c.2719G>A (NM_014423.3); short protein forms V907I.
Identifiers: ClinVar variation 2173739 (VCV002173739.7), dbSNP rs752156289, ClinGen allele CA3408847.